The following is an entry in ClinVar:

ClinVar aggregate classification (germline): Uncertain significance (1 of 4 stars; one submission).

Conditions:
Arrhythmogenic right ventricular dysplasia 5. Also called: ARRHYTHMOGENIC RIGHT VENTRICULAR DYSPLASIA, FAMILIAL, 5; Arrhythmogenic Right Ventricular Dysplasia/Cardiomyopathy 5. Identifiers: MedGen C1858379, MONDO:0011459, OMIM 604400.

Submission:

Labcorp Genetics (formerly Invitae), Labcorp
Classification: Uncertain significance for Arrhythmogenic right ventricular dysplasia 5. Last evaluated: 2020-01-14. Review status: criteria provided, single submitter. Criteria: Invitae Variant Classification Sherloc (09022015). Collection method: clinical testing. Allele origin: germline.
Comment: In summary, the available evidence is currently insufficient to determine the role of this variant in disease. Therefore, it has been classified as a Variant of Uncertain Significance. Algorithms developed to predict the effect of missense changes on protein structure and function (SIFT, PolyPhen-2, Align-GVGD) all suggest that this variant is likely to be tolerated, but these predictions have not been confirmed by published functional studies and their clinical significance is uncertain. This variant has not been reported in the literature in individuals with TMEM43-related conditions. This variant is not present in population databases (ExAC no frequency). This sequence change replaces alanine with proline at codon 2 of the TMEM43 protein (p.Ala2Pro). The alanine residue is weakly conserved and there is a small physicochemical difference between alanine and proline.

NM_024334.3(TMEM43):c.4G>C (p.Ala2Pro)

Gene: TMEM43 (transmembrane protein 43; plus strand). Cytogenetic location: 3p25.1.
Variant type: single nucleotide variant.
Coding change: c.4G>C on transcript NM_024334.3 (MANE Select); coding-DNA position 4, G replaced by C.
Protein change: p.Ala2Pro; replaces alanine 2 with proline.
Molecular consequence: missense variant.
Genome position (GRCh38, 1-based): chr3:14,125,197, G>C. VCF-style: chr3-14125197-G-C. GRCh37 (hg19) VCF-style: chr3-14166697-G-C.
Other names: short protein forms A2P.
Identifiers: ClinVar variation 1041251 (VCV001041251.9), dbSNP rs1695000807, ClinGen allele CA351533963.